The following is an entry in ClinVar:

ClinVar aggregate classification (germline): Uncertain significance (1 of 4 stars; one submission).

Conditions:
Stormorken syndrome (STRMK). Also called: THROMBOCYTOPATHY, ASPLENIA, AND MIOSIS. Identifiers: Orphanet 3204, MedGen C1861451, MONDO:0008497, OMIM 185070.
Combined immunodeficiency due to STIM1 deficiency. Also called: STIM1 DEFICIENCY; IMMUNODEFICIENCY 10. Identifiers: Orphanet 169090, Orphanet 317430, MedGen C2748557, MONDO:0013008, OMIM 612783.
Myopathy with tubular aggregates (TAM). Also called: Tubular Aggregate Myopathy. Identifiers: Orphanet 2593, MedGen C0410207, MONDO:0008051.

Submission:

Labcorp Genetics (formerly Invitae), Labcorp
Classification: Uncertain significance for Myopathy with tubular aggregates; Combined immunodeficiency due to STIM1 deficiency; Stormorken syndrome. Last evaluated: 2022-11-28. Review status: criteria provided, single submitter. Criteria: Invitae Variant Classification Sherloc (09022015). Collection method: clinical testing. Allele origin: germline.
Comment: This sequence change replaces proline, which is neutral and non-polar, with arginine, which is basic and polar, at codon 537 of the STIM1 protein (p.Pro537Arg). This variant is not present in population databases (gnomAD no frequency). This variant has not been reported in the literature in individuals affected with STIM1-related conditions. Advanced modeling of protein sequence and biophysical properties (such as structural, functional, and spatial information, amino acid conservation, physicochemical variation, residue mobility, and thermodynamic stability) performed at Invitae indicates that this missense variant is not expected to disrupt STIM1 protein function. In summary, the available evidence is currently insufficient to determine the role of this variant in disease. Therefore, it has been classified as a Variant of Uncertain Significance.

NM_001382567.1(STIM1):c.1703C>G (p.Pro568Arg)

Gene: STIM1 (stromal interaction molecule 1; plus strand). Cytogenetic location: 11p15.4.
Variant type: single nucleotide variant.
Coding change: c.1703C>G on transcript NM_001382567.1 (MANE Select); coding-DNA position 1703, C replaced by G.
Protein change: p.Pro568Arg; replaces proline 568 with arginine.
Molecular consequence: missense variant. On other transcripts: non-coding transcript variant (3), 3 prime UTR variant (4).
Genome position (GRCh38, 1-based): chr11:4,091,350, C>G. VCF-style: chr11-4091350-C-G. GRCh37 (hg19) VCF-style: chr11-4112580-C-G.
Other names: c.1382C>G, p.Pro461Arg (NM_001382570.1); c.1130C>G, p.Pro377Arg (NM_001382571.1); c.1388C>G, p.Pro463Arg (NM_001382575.1, NM_001382576.1, NM_001382577.1); c.*24C>G (NM_001382578.1, NM_001382579.1, NM_001382580.1 and 1 more transcripts); c.1121C>G, p.Pro374Arg (NM_001382581.1); c.1631C>G, p.Pro544Arg (NM_001382568.1); c.1475C>G, p.Pro492Arg (NM_001382569.1); c.1610C>G, p.Pro537Arg (NM_003156.4); and 2 more; short protein forms P461R, P568R, P643R, P537R, P492R, P544R, P569R, P374R.
Identifiers: ClinVar variation 2925326 (VCV002925326.3), dbSNP rs1169759545, ClinGen allele CA379196743.